The following is an entry in ClinVar:

ClinVar aggregate classification (germline): Pathogenic/Likely pathogenic. Review status: criteria provided, multiple submitters, no conflicts (2 of 4 stars). 4 submissions from 4 submitters: Pathogenic (1); Likely pathogenic (2). 1 of the submissions does not count toward it. Last evaluated 2026-04-08.

Conditions:
RYR1-related disorder. Also called: RYR1-related disorders; RYR1-related condition. Identifiers: MedGen CN239331.
Malignant hyperthermia, susceptibility to, 1 (MHS1). Also called: Anesthesia related hyperthermia; Malignant hyperpyrexia; Fulminating hyperpyrexia; Pharmacogenic myopathy; RYR1-Related Malignant Hyperthermia Susceptibility; Malignant hyperthermia suceptibility 1. Identifiers: Orphanet 423, MedGen C2930980, MONDO:0007783, OMIM 145600.
RYR1-related myopathy. Identifiers: Orphanet 98742, MedGen CN305348, MONDO:0100150.

Submissions (4):

Victorian Clinical Genetics Services, Murdoch Childrens Research Institute
Classification: Pathogenic for RYR1-related myopathy. Last evaluated: 2026-04-08. Review status: criteria provided, single submitter. Criteria: ACMG Guidelines, 2015. Collection method: clinical testing. Allele origin: germline. Affected: yes.
Comment: This variant is classified as Pathogenic. Evidence in support of pathogenic classification: Variant is absent from gnomAD (v2, v3 and v4); This variant has strong previous evidence of pathogenicity in unrelated individuals. This variant is homozygous; This gene is associated with both recessive and dominant disease (OMIM); Alternative amino acid change(s) at the same position are present in gnomAD (highest allele count: v4: 3 heterozygote(s), 0 homozygote(s)); No published functional evidence has been identified for this variant; No comparable missense variants have previous evidence for pathogenicity; Variant is located in the annotated ryanodine receptor junctional solenoid repeat (DECIPHER); Missense variant with inconclusive in silico prediction and/or uninformative conservation; Loss of function and gain of function are known mechanisms of disease in this gene and are associated with RYR1-related disorders (OMIM). Gain of function mechanism has been described in the context of malignant hyperthermia susceptibility 1 (MIM#145600) and autosomal dominant congenital myopathy 1A with susceptibility to malignant hyperthermia (MIM#117000). Autosomal recessive congenital myopathy 1B (MIM#255320) is associated with a loss of function mechanism (PMIDs: 27855725, 23919265). The mechanism of King-Denborough syndrome (MIM#619542) is unclear.

GeneDx
Classification: Likely pathogenic. Last evaluated: 2024-02-22. Review status: criteria provided, single submitter. Criteria: GeneDx Variant Classification Process June 2021. Collection method: clinical testing. Allele origin: germline. Affected: yes.
Comment: Not observed at significant frequency in large population cohorts (gnomAD); In silico analysis supports that this missense variant has a deleterious effect on protein structure/function; This variant is associated with the following publications: (PMID: 26578207, 32573669, 32153140, Tanaka2020[casereport])

Labcorp Genetics (formerly Invitae), Labcorp
Classification: Likely pathogenic for RYR1-related disorder. Last evaluated: 2023-12-20. Review status: criteria provided, single submitter. Criteria: Invitae Variant Classification Sherloc (09022015). Collection method: clinical testing. Allele origin: germline.
Comment: This sequence change replaces glutamic acid, which is acidic and polar, with lysine, which is basic and polar, at codon 1997 of the RYR1 protein (p.Glu1997Lys). This variant is not present in population databases (gnomAD no frequency). This missense change has been observed in individual(s) with clinical features of autosomal recessive RYR1-related conditions (PMID: 26578207, 32573669). In at least one individual the data is consistent with being in trans (on the opposite chromosome) from a pathogenic variant. It has also been observed to segregate with disease in related individuals. ClinVar contains an entry for this variant (Variation ID: 870400). Advanced modeling of protein sequence and biophysical properties (such as structural, functional, and spatial information, amino acid conservation, physicochemical variation, residue mobility, and thermodynamic stability) has been performed at Invitae for this missense variant, however the output from this modeling did not meet the statistical confidence thresholds required to predict the impact of this variant on RYR1 protein function. In summary, the currently available evidence indicates that the variant is pathogenic, but additional data are needed to prove that conclusively. Therefore, this variant has been classified as Likely Pathogenic.

All of Us Research Program, National Institutes of Health
Classification: Uncertain significance for Malignant hyperthermia, susceptibility to, 1. Last evaluated: 2023-11-30. Review status: flagged submission. Criteria: ACMG Guidelines, 2015. Collection method: clinical testing. Allele origin: germline. Inheritance: Autosomal dominant inheritance. Observed: 1 variant allele, 1 heterozygote. Not counted in ClinVar's aggregate classification.
Comment: This study involves interpretation of variants in research participants for the purpose of population health screening. Participant phenotype was not available at the time of variant classification. Additional details can be found in publication PMID: 35346344, PMCID: PMC8962531
ClinVar note: Reason: Claim with insufficient supporting evidence

Literature cited by the submitters: PubMed 27855725 (cited by Victorian Clinical Genetics Services, Murdoch Childrens Research Institute); PubMed 23919265 (cited by Victorian Clinical Genetics Services, Murdoch Childrens Research Institute); PubMed 26578207 (cited by Victorian Clinical Genetics Services, Murdoch Childrens Research Institute and Labcorp Genetics (formerly Invitae), Labcorp); PubMed 32573669 (cited by Labcorp Genetics (formerly Invitae), Labcorp).

NM_000540.3(RYR1):c.5989G>A (p.Glu1997Lys)

Gene: RYR1 (ryanodine receptor 1; plus strand). Cytogenetic location: 19q13.2.
Variant type: single nucleotide variant.
Coding change: c.5989G>A on transcript NM_000540.3 (MANE Select); coding-DNA position 5989, G replaced by A.
Protein change: p.Glu1997Lys; replaces glutamic acid 1997 with lysine.
Molecular consequence: missense variant.
Genome position (GRCh38, 1-based): chr19:38,490,250, G>A. VCF-style: chr19-38490250-G-A. GRCh37 (hg19) VCF-style: chr19-38980890-G-A.
Other names: c.5989G>A, p.Glu1997Lys (NM_001042723.2); short protein forms E1997K.
Identifiers: ClinVar variation 870400 (VCV000870400.17), dbSNP rs1366464512, ClinGen allele CA405660631.